The following is an entry in ClinVar:

ClinVar aggregate classification (germline): Uncertain significance (1 of 4 stars; one submission).

Allele frequency attached by ClinVar (database versions not stated): gnomAD exomes below 0.00001.
gnomAD v4.1: 1 of 1,613,560 alleles (0.000062%); highest among the groups gnomAD compares: Non-Finnish European, 0.000085%; no homozygotes.

Submission:

CeGaT Center for Human Genetics Tuebingen
Classification: Uncertain significance. Last evaluated: 2024-02-01. Review status: criteria provided, single submitter. Criteria: CeGaT Center For Human Genetics Tuebingen Variant Classification Criteria Version 2. Collection method: clinical testing. Allele origin: germline. Affected: yes. Observed: 1 variant allele.
Comment: NFKB1: PM2, PP2

NM_003998.4(NFKB1):c.1160G>A (p.Gly387Asp)

Gene: NFKB1 (nuclear factor kappa B subunit 1; plus strand). Cytogenetic location: 4q24.
Variant type: single nucleotide variant.
Coding change: c.1160G>A on transcript NM_003998.4 (MANE Select); coding-DNA position 1160, G replaced by A.
Protein change: p.Gly387Asp; replaces glycine 387 with aspartic acid.
Molecular consequence: missense variant.
Genome position (GRCh38, 1-based): chr4:102,593,518, G>A. VCF-style: chr4-102593518-G-A. GRCh37 (hg19) VCF-style: chr4-103514675-G-A.
Other names: c.1157G>A, p.Gly386Asp (NM_001165412.2, NM_001319226.2, NM_001382627.1); c.1160G>A, p.Gly387Asp (NM_001382625.1, NM_001382626.1); c.1118G>A, p.Gly373Asp (NM_001382628.1); short protein forms G373D, G386D, G387D.
Identifiers: ClinVar variation 3067603 (VCV003067603.21), dbSNP rs1471828685, ClinGen allele CA357750471.
Genomic context (GRCh38, chr4:102,593,518, plus strand): 5'-TCATGCCCAATTTTTCGGATAGTTTCGGCGGTGGTAGTGGTGCTGGAGCTGGAGGCGGAG[G>A]CATGTTTGGTAGTGGCGGTGGAGGAGGGGGCACTGGAAGTACAGGTCCAGGTACAAAAAT-3'
Protein context (NP_003989.2, residues 377-397): GGSGAGAGGG[Gly387Asp]MFGSGGGGGG